The following is an entry in ClinVar:

NM_015272.5(RPGRIP1L):c.13del (p.Thr5fs)

Gene: RPGRIP1L (RPGRIP1 like; minus strand). Cytogenetic location: 16q12.2.
Variant type: Deletion.
Coding change: c.13del on transcript NM_015272.5 (MANE Select); coding-DNA position 13, one base deleted (A; older notation c.13delA).
Protein change: p.Thr5fs; shifts the reading frame from threonine 5.
Molecular consequence: frameshift variant.
Genome position (GRCh38, 1-based): chr16:53,700,711, T deleted on the plus strand (A on the coding strand, the reverse complement: RPGRIP1L is on the minus strand); the first of 2 consecutive T bases (chr16:53,700,711-53,700,712); deleting either gives the same sequence. VCF-style (leftmost placement, unchanged base first): chr16-53700710-GT-G. GRCh37 (hg19) VCF-style: chr16-53734622-GT-G.
Other names: c.13del, p.Thr5fs (NM_001127897.4, NM_001308334.3, NM_001328422.2 and 2 more transcripts); short protein forms T5fs.
Identifiers: ClinVar variation 4995405 (VCV004995405.1).

ClinVar aggregate classification (germline): Likely pathogenic (1 of 4 stars; one submission).

Conditions:
RPGRIP1L-related disorder. Also called: RPGRIP1L-related condition; RPGRIP1L-related disorders. Identifiers: MedGen CN239416.

Submission:

PreventionGenetics, part of Exact Sciences
Classification: Likely pathogenic for RPGRIP1L-related condition. Last evaluated: 2026-07-20. Review status: criteria provided, single submitter. Criteria: ACMG Guidelines, 2015. Collection method: clinical testing. Allele origin: germline.
Comment: The RPGRIP1L c.13delA variant is predicted to result in a frameshift and premature protein termination (p.Thr5Leufs*10). To our knowledge, this variant has not been reported in the literature or in a large population database (gnomAD), indicating this variant is rare. Frameshift variants in RPGRIP1L are expected to be pathogenic. This variant is interpreted as likely pathogenic.